The following is an entry in ClinVar:

ClinVar aggregate classification (germline): Uncertain significance (1 of 4 stars; one submission).

Allele frequency attached by ClinVar (database versions not stated): ExAC 0.00001.

Submission:

Ambry Genetics
Classification: Uncertain significance. Last evaluated: 2024-01-22. Review status: criteria provided, single submitter. Criteria: Ambry Variant Classification Scheme 2023. Collection method: clinical testing. Allele origin: germline.
Comment: The p.N236H variant (also known as c.706A>C), located in coding exon 8 of the NPAT gene, results from an A to C substitution at nucleotide position 706. The asparagine at codon 236 is replaced by histidine, an amino acid with similar properties. This amino acid position is conserved. In addition, this alteration is predicted to be tolerated by in silico analysis. Since supporting evidence is limited at this time, the clinical significance of this alteration remains unclear.

NM_002519.3(NPAT):c.706A>C (p.Asn236His)

Gene: NPAT (nuclear protein, coactivator of histone transcription; minus strand). Cytogenetic location: 11q22.3.
Variant type: single nucleotide variant.
Coding change: c.706A>C on transcript NM_002519.3 (MANE Select); coding-DNA position 706, A replaced by C.
Protein change: p.Asn236His; replaces asparagine 236 with histidine.
Molecular consequence: missense variant.
Genome position (GRCh38, 1-based): chr11:108,186,502, T>G on the plus strand (A>C on the coding strand, the complement: NPAT is on the minus strand). VCF-style: chr11-108186502-T-G. GRCh37 (hg19) VCF-style: chr11-108057229-T-G.
Other names: c.706A>C, p.Asn236His (NM_001321307.1); short protein forms N236H.
Identifiers: ClinVar variation 1756980 (VCV001756980.2), dbSNP rs760857167, ClinGen allele CA6264216.